The following is an entry in ClinVar:

NM_001385125.1(OPN1SW):c.348G>C (p.Leu116=)

Gene: OPN1SW (opsin 1, short wave sensitive; minus strand). Cytogenetic location: 7q32.1.
Variant type: single nucleotide variant.
Coding change: c.348G>C on transcript NM_001385125.1 (MANE Select); coding-DNA position 348, G replaced by C.
Protein change: p.Leu116=; no amino-acid change (leucine 116 retained).
Molecular consequence: synonymous variant.
Genome position (GRCh38, 1-based): chr7:128,775,150, C>G on the plus strand (G>C on the coding strand, the complement: OPN1SW is on the minus strand). VCF-style: chr7-128775150-C-G. GRCh37 (hg19) VCF-style: chr7-128415204-C-G.
Identifiers: ClinVar variation 1914843 (VCV001914843.5), dbSNP rs769049906, ClinGen allele CA4472962.
Genomic context (GRCh38, chr7:128,775,150, plus strand): 5'-GGGCTTACAGATGACAATGTAGCGCTCAAAGGCCAGGAAGGCCAGTGACCATCCTGTAAC[C>G]AGACCTGTGGTGAAATGTGAGGATAATGGGCTAGACAGAGCCCCACCCAGCCTGGCTGGC-3'
Protein context (NP_001372054.1, residues 106-126): LEGFLGTVAG[Leu116=]VTGWSLAFLA

ClinVar aggregate classification (germline): Uncertain significance (1 of 4 stars; one submission).

Allele frequency attached by ClinVar (database versions not stated): TOPMed below 0.00001; ExAC 0.00001.
gnomAD v4.1: 1 of 1,614,040 alleles (0.000062%); highest among the groups gnomAD compares: Admixed American, 0.0017%; no homozygotes.

Submission:

Labcorp Genetics (formerly Invitae), Labcorp
Classification: Uncertain significance. Last evaluated: 2023-11-27. Review status: criteria provided, single submitter. Criteria: Invitae Variant Classification Sherloc (09022015). Collection method: clinical testing. Allele origin: germline.
Comment: This sequence change affects codon 119 of the OPN1SW mRNA. It is a 'silent' change, meaning that it does not change the encoded amino acid sequence of the OPN1SW protein. This variant is present in population databases (rs769049906, gnomAD 0.003%). This variant has not been reported in the literature in individuals affected with OPN1SW-related conditions. ClinVar contains an entry for this variant (Variation ID: 1914843). Algorithms developed to predict the effect of sequence changes on RNA splicing suggest that this variant may create or strengthen a splice site. In summary, the available evidence is currently insufficient to determine the role of this variant in disease. Therefore, it has been classified as a Variant of Uncertain Significance.